The following is an entry in ClinVar:

ClinVar aggregate classification (germline): Uncertain significance (1 of 4 stars; one submission).

Conditions:
Mitochondrial complex II deficiency, nuclear type 1. Also called: SUCCINATE CoQ REDUCTASE DEFICIENCY. Identifiers: Orphanet 3208, MedGen C5700310, MONDO:0100294, OMIM 252011.
Pheochromocytoma/paraganglioma syndrome 5. Also called: Paragangliomas 5; SDHA-Related Hereditary Paraganglioma-Pheochromocytoma Syndrome. Identifiers: Orphanet 29072, MedGen C3279992, MONDO:0013602, OMIM 614165.

Submission:

Labcorp Genetics (formerly Invitae), Labcorp
Classification: Uncertain significance for Pheochromocytoma/paraganglioma syndrome 5; Mitochondrial complex II deficiency, nuclear type 1. Last evaluated: 2023-03-27. Review status: criteria provided, single submitter. Criteria: Invitae Variant Classification Sherloc (09022015). Collection method: clinical testing. Allele origin: germline.
Comment: This variant has not been reported in the literature in individuals affected with SDHA-related conditions. In summary, the available evidence is currently insufficient to determine the role of this variant in disease. Therefore, it has been classified as a Variant of Uncertain Significance. Advanced modeling of protein sequence and biophysical properties (such as structural, functional, and spatial information, amino acid conservation, physicochemical variation, residue mobility, and thermodynamic stability) has been performed at Invitae for this missense variant, however the output from this modeling did not meet the statistical confidence thresholds required to predict the impact of this variant on SDHA protein function. This variant is not present in population databases (gnomAD no frequency). This sequence change replaces lysine, which is basic and polar, with methionine, which is neutral and non-polar, at codon 397 of the SDHA protein (p.Lys397Met).

NM_004168.4(SDHA):c.1190A>T (p.Lys397Met)

Gene: SDHA (succinate dehydrogenase complex flavoprotein subunit A; plus strand). Cytogenetic location: 5p15.33.
Variant type: single nucleotide variant.
Coding change: c.1190A>T on transcript NM_004168.4 (MANE Select); coding-DNA position 1190, A replaced by T.
Protein change: p.Lys397Met; replaces lysine 397 with methionine.
Molecular consequence: missense variant.
Genome position (GRCh38, 1-based): chr5:235,269, A>T. VCF-style: chr5-235269-A-T. GRCh37 (hg19) VCF-style: chr5-235384-A-T.
Other names: c.1046A>T, p.Lys349Met (NM_001294332.2); c.1190A>T, p.Lys397Met (NM_001330758.2); short protein forms K349M, K397M.
Identifiers: ClinVar variation 2946557 (VCV002946557.3), dbSNP rs745798689, ClinGen allele CA359013634.